The following is an entry in ClinVar:

NM_033305.3(VPS13A):c.4428_4431del (p.Gly1478fs)

Gene: VPS13A (vacuolar protein sorting 13 homolog A; plus strand). Cytogenetic location: 9q21.2.
Variant type: Deletion.
Coding change: c.4428_4431del on transcript NM_033305.3 (MANE Select); coding-DNA positions 4428 to 4431, 4 bases deleted (AGTT; older notation c.4428_4431delAGTT).
Protein change: p.Gly1478fs; shifts the reading frame from glycine 1478.
Molecular consequence: frameshift variant.
Genome position (GRCh38, 1-based): chr9:77,315,268-77,315,271, AGTT deleted. VCF-style (leftmost placement, unchanged base first): chr9-77315267-CAGTT-C. GRCh37 (hg19) VCF-style: chr9-79930183-CAGTT-C.
Other names: c.4311_4314del, p.Gly1439fs (NM_001018037.2); c.4428_4431del, p.Gly1478fs (NM_001018038.3, NM_015186.4); short protein forms G1439fs, G1478fs.
Identifiers: ClinVar variation 1403684 (VCV001403684.6), dbSNP rs1417219341, ClinGen allele CA867050181.

ClinVar aggregate classification (germline): Pathogenic (1 of 4 stars; one submission).

Allele frequency attached by ClinVar (database versions not stated): gnomAD exomes below 0.00001; TOPMed below 0.00001.

Submission:

Labcorp Genetics (formerly Invitae), Labcorp
Classification: Pathogenic. Last evaluated: 2021-07-09. Review status: criteria provided, single submitter. Criteria: Invitae Variant Classification Sherloc (09022015). Collection method: clinical testing. Allele origin: germline.
Comment: For these reasons, this variant has been classified as Pathogenic. This variant has not been reported in the literature in individuals affected with VPS13A-related conditions. This variant is not present in population databases (ExAC no frequency). This sequence change creates a premature translational stop signal (p.Gly1478Leufs*6) in the VPS13A gene. It is expected to result in an absent or disrupted protein product. Loss-of-function variants in VPS13A are known to be pathogenic (PMID: 12404112, 21598378).

Literature cited by the submitters: PubMed 12404112; PubMed 21598378.